The following is an entry in ClinVar:

NM_000094.4(COL7A1):c.3122_3123del (p.Ser1041fs)

Gene: COL7A1 (collagen type VII alpha 1 chain; minus strand). Cytogenetic location: 3p21.31.
Variant type: Deletion.
Coding change: c.3122_3123del on transcript NM_000094.4 (MANE Select); coding-DNA positions 3122 to 3123, 2 bases deleted (CT; older notation c.3122_3123delCT).
Protein change: p.Ser1041fs; shifts the reading frame from serine 1041.
Molecular consequence: frameshift variant.
Genome position (GRCh38, 1-based): chr3:48,587,206-48,587,207, AG deleted on the plus strand (CT on the coding strand, the reverse complement: COL7A1 is on the minus strand); deleting any 2 consecutive bases within chr3:48,587,206-48,587,208 gives the same sequence; the c. name uses the placement nearest the transcript's 3' end. VCF-style (leftmost placement, unchanged base first): chr3-48587205-CAG-C. GRCh37 (hg19) VCF-style: chr3-48624638-CAG-C.
Other names: short protein forms S1041fs.
Identifiers: ClinVar variation 5015533 (VCV005015533.1).

ClinVar aggregate classification (germline): Pathogenic (1 of 4 stars; one submission).

Conditions:
Recessive dystrophic epidermolysis bullosa (RDEB). Also called: DYSTROPHIC EPIDERMOLYSIS BULLOSA, AUTOSOMAL RECESSIVE; EPIDERMOLYSIS BULLOSA DYSTROPHICA, HALLOPEAU-SIEMENS TYPE; Hallopeau-Siemens Disease; severe generalized recessive dystrophic epidermolysis bullosa; EPIDERMOLYSIS BULLOSA DYSTROPHICA, GENERALIZED SEVERE, AUTOSOMAL RECESSIVE; Epidermolysis Bullosa Distrophica Autosomal Recessive (RDEB). Identifiers: Orphanet 79408, Orphanet 79409, MedGen C0079474, MONDO:0009179, OMIM 226600.

Submission:

Myriad Genetics, Inc.
Classification: Pathogenic for Recessive dystrophic epidermolysis bullosa. Last evaluated: 2026-02-11. Review status: criteria provided, single submitter. Criteria: Myriad Autosomal Dominant, Autosomal Recessive and X-Linked Classification Criteria (2023). Collection method: clinical testing. Allele origin: unknown.
Comment: NM_000094.3(COL7A1):c.3122_3123delCT(S1041Cfs*72) is expected to be pathogenic in the context of dystrophic epidermolysis bullosa. This variant is predicted to lead to an abnormal or absent protein product due to the creation of a premature termination codon in COL7A1, a gene where loss-of-function variants are known to be pathogenic. Please note: this variant was assessed in the context of healthy population screening.